The following is an entry in ClinVar:

ClinVar aggregate classification (germline): Uncertain significance (1 of 4 stars; one submission).

Conditions:
Skraban-Deardorff syndrome. Also called: INTELLECTUAL DISABILITY WITH SEIZURES, ABNORMAL GAIT, AND DISTINCTIVE FACIAL FEATURES; WDR26-Related Intellectual Disability. Identifiers: Orphanet 513456, MedGen C4539927, MONDO:0054636, OMIM 617616.

Submission:

Centre for Mendelian Genomics, University Medical Centre Ljubljana
Classification: Uncertain significance for Skraban-Deardorff syndrome. Last evaluated: 2019-04-11. Review status: criteria provided, single submitter. Criteria: ACMG Guidelines, 2015. Collection method: clinical testing. Allele origin: unknown. Affected: yes.
Comment: This variant was classified as: Uncertain significance. The available evidence on this variant's pathogenicity is insufficient or conflicting. The following ACMG criteria were applied in classifying this variant: PM2.

NM_001379403.1(WDR26):c.1317T>G (p.Ser439Arg)

Gene: WDR26 (WD repeat domain 26; minus strand). Cytogenetic location: 1q42.12.
Variant type: single nucleotide variant.
Coding change: c.1317T>G on transcript NM_001379403.1 (MANE Select); coding-DNA position 1317, T replaced by G.
Protein change: p.Ser439Arg; replaces serine 439 with arginine.
Molecular consequence: missense variant.
Genome position (GRCh38, 1-based): chr1:224,418,262, A>C on the plus strand (T>G on the coding strand, the complement: WDR26 is on the minus strand). VCF-style: chr1-224418262-A-C. GRCh37 (hg19) VCF-style: chr1-224605964-A-C.
Other names: c.969T>G, p.Ser323Arg (NM_001115113.3); c.1017T>G, p.Ser339Arg (NM_025160.7); short protein forms S439R, S323R, S339R.
Identifiers: ClinVar variation 931463 (VCV000931463.3), dbSNP rs1673963487, ClinGen allele CA344749795.